The following is an entry in ClinVar:

ClinVar aggregate classification (germline): Uncertain significance (1 of 4 stars; one submission).

Conditions:
Combined oxidative phosphorylation defect type 27. Also called: Combined oxidative phosphorylation deficiency 27. Identifiers: Orphanet 477774, MedGen C5567608, MONDO:0014728, OMIM 616672.

Submission:

Labcorp Genetics (formerly Invitae), Labcorp
Classification: Uncertain significance for Combined oxidative phosphorylation defect type 27. Last evaluated: 2019-10-02. Review status: criteria provided, single submitter. Criteria: Invitae Variant Classification Sherloc (09022015). Collection method: clinical testing. Allele origin: germline.
Comment: This sequence change replaces methionine with leucine at codon 132 of the CARS2 protein (p.Met132Leu). The methionine residue is weakly conserved and there is a small physicochemical difference between methionine and leucine. This variant is not present in population databases (ExAC no frequency). This variant has not been reported in the literature in individuals with CARS2-related conditions. Algorithms developed to predict the effect of missense changes on protein structure and function output the following: SIFT: "Tolerated"; PolyPhen-2: "Benign"; Align-GVGD: "Class C0". The leucine amino acid residue is found in multiple mammalian species, suggesting that this missense change does not adversely affect protein function. These predictions have not been confirmed by published functional studies and their clinical significance is uncertain. Algorithms developed to predict the effect of sequence changes on RNA splicing suggest that this variant may disrupt the consensus splice site, but this prediction has not been confirmed by published transcriptional studies. In summary, the available evidence is currently insufficient to determine the role of this variant in disease. Therefore, it has been classified as a Variant of Uncertain Significance.

NM_024537.4(CARS2):c.394A>T (p.Met132Leu)

Gene: CARS2 (cysteinyl-tRNA synthetase 2, mitochondrial; minus strand). Cytogenetic location: 13q34.
Variant type: single nucleotide variant.
Coding change: c.394A>T on transcript NM_024537.4 (MANE Select); coding-DNA position 394, A replaced by T.
Protein change: p.Met132Leu; replaces methionine 132 with leucine.
Molecular consequence: missense variant. On other transcripts: 5 prime UTR variant (1), non-coding transcript variant (2).
Genome position (GRCh38, 1-based): chr13:110,688,018, T>A on the plus strand (A>T on the coding strand, the complement: CARS2 is on the minus strand). VCF-style: chr13-110688018-T-A. GRCh37 (hg19) VCF-style: chr13-111340365-T-A.
Other names: c.-606A>T (NM_001352252.2); c.394A>T, p.Met132Leu (NM_001352253.3); short protein forms M132L.
Identifiers: ClinVar variation 965544 (VCV000965544.9), dbSNP rs2063353822, ClinGen allele CA388738960.